The following is an entry in ClinVar:

ClinVar aggregate classification (germline): Uncertain significance (1 of 4 stars; one submission).

Conditions:
Developmental and epileptic encephalopathy, 31A. Also called: Developmental and epileptic encephalopathy, 31; Epileptic encephalopathy, early infantile, 31. Identifiers: Orphanet 2382, MedGen C4225357, MONDO:0014598, OMIM 616346.

Allele frequency attached by ClinVar (database versions not stated): gnomAD exomes below 0.00001; TOPMed 0.00001.
gnomAD v4.1: 3 of 1,418,174 alleles (0.00021%); highest among the groups gnomAD compares: Non-Finnish European, 0.00018%; no homozygotes.

Submission:

Labcorp Genetics (formerly Invitae), Labcorp
Classification: Uncertain significance for Developmental and epileptic encephalopathy, 31A. Last evaluated: 2024-03-06. Review status: criteria provided, single submitter. Criteria: Invitae Variant Classification Sherloc (09022015). Collection method: clinical testing. Allele origin: germline.
Comment: This sequence change replaces alanine, which is neutral and non-polar, with threonine, which is neutral and polar, at codon 787 of the DNM1 protein (p.Ala787Thr). The frequency data for this variant in the population databases is considered unreliable, as metrics indicate poor data quality at this position in the gnomAD database. This variant has not been reported in the literature in individuals affected with DNM1-related conditions. ClinVar contains an entry for this variant (Variation ID: 1505289). Advanced modeling of protein sequence and biophysical properties (such as structural, functional, and spatial information, amino acid conservation, physicochemical variation, residue mobility, and thermodynamic stability) has been performed at Invitae for this missense variant, however the output from this modeling did not meet the statistical confidence thresholds required to predict the impact of this variant on DNM1 protein function. In summary, the available evidence is currently insufficient to determine the role of this variant in disease. Therefore, it has been classified as a Variant of Uncertain Significance.

NM_004408.4(DNM1):c.2359G>A (p.Ala787Thr)

Genes: DNM1 (dynamin 1; plus strand), LOC130002698 (ATAC-STARR-seq lymphoblastoid silent region 20332; plus strand). Cytogenetic location: 9q34.11.
Variant type: single nucleotide variant.
Coding change: c.2359G>A on transcript NM_004408.4 (MANE Select); coding-DNA position 2359, G replaced by A.
Protein change: p.Ala787Thr; replaces alanine 787 with threonine.
Molecular consequence: missense variant.
Genome position (GRCh38, 1-based): chr9:128,250,765, G>A. VCF-style: chr9-128250765-G-A. GRCh37 (hg19) VCF-style: chr9-131013044-G-A.
Other names: c.2359G>A, p.Ala787Thr (NM_001005336.3, NM_001288737.2, NM_001288738.2 and 2 more transcripts); short protein forms A787T.
Identifiers: ClinVar variation 1505289 (VCV001505289.8), dbSNP rs1286706539, ClinGen allele CA375001527.
Genomic context (GRCh38, chr9:128,250,765, plus strand): 5'-TCGCTCCCTGTCGCCCTCAGGTCGCCCACGTCCAGCCCCACGCCGCAGCGCCGAGCCCCC[G>A]CCGTGCCCCCAGCCCGGCCCGGGTCGCGGGGCCCTGCTCCTGGGCCTCCGCCTGCTGGGT-3'
Protein context (NP_004399.2, residues 777-797): SSPTPQRRAP[Ala787Thr]VPPARPGSRG